The following is an entry in ClinVar:

NC_000016.9:g.(?_47531290)_(47581479_?)del

Gene: PHKB (phosphorylase kinase regulatory subunit beta; plus strand). Cytogenetic location: 16q12.1.
Variant type: Deletion.
Identifiers: ClinVar variation 2422824 (VCV002422824.3).

ClinVar aggregate classification (germline): Pathogenic (1 of 4 stars; one submission).

Conditions:
Glycogen storage disease IXb (GSD9B). Also called: PHOSPHORYLASE KINASE DEFICIENCY OF LIVER AND MUSCLE, AUTOSOMAL RECESSIVE; GLYCOGENOSIS OF LIVER AND MUSCLE, AUTOSOMAL RECESSIVE; GSD IXb. Identifiers: Orphanet 79240, MedGen C0543514, MONDO:0009868, OMIM 261750.

Submission:

Labcorp Genetics (formerly Invitae), Labcorp
Classification: Pathogenic for Glycogen storage disease IXb. Last evaluated: 2022-10-03. Review status: criteria provided, single submitter. Criteria: Invitae Variant Classification Sherloc (09022015). Collection method: clinical testing. Allele origin: germline.
Comment: For these reasons, this variant has been classified as Pathogenic. This variant has not been reported in the literature in individuals affected with PHKB-related conditions. This variant is a gross deletion of the genomic region encompassing exon(s) 2-7 of the PHKB gene. This deletion is out-of-frame, and is expected to create a premature termination codon and result in an absent or disrupted protein product. Loss-of-function variants in PHKB are known to be pathogenic (PMID: 9215682, 9326319).

Literature cited by the submitters: PubMed 9215682; PubMed 9326319.